The following is an entry in ClinVar:

ClinVar aggregate classification (germline): Likely benign (1 of 4 stars; one submission).

gnomAD v4.1: 23 of 1,613,522 alleles (0.0014%); highest among the groups gnomAD compares: Non-Finnish European, 0.0015%; no homozygotes.

Submission:

GeneDx
Classification: Likely benign. Last evaluated: 2024-10-10. Review status: criteria provided, single submitter. Criteria: GeneDx Variant Classification Process June 2021. Collection method: clinical testing. Allele origin: germline. Affected: yes.
Comment: See Variant Classification Assertion Criteria.

NM_201384.3(PLEC):c.7289T>C (p.Leu2430Pro)

Gene: PLEC (plectin; minus strand). Cytogenetic location: 8q24.3.
Variant type: single nucleotide variant.
Coding change: c.7289T>C on transcript NM_201384.3 (MANE Select); coding-DNA position 7289, T replaced by C.
Protein change: p.Leu2430Pro; replaces leucine 2430 with proline.
Molecular consequence: missense variant. On other transcripts: intron variant (1).
Genome position (GRCh38, 1-based): chr8:143,922,640, A>G on the plus strand (T>C on the coding strand, the complement: PLEC is on the minus strand). VCF-style: chr8-143922640-A-G. GRCh37 (hg19) VCF-style: chr8-144996808-A-G.
Other names: c.7370T>C, p.Leu2457Pro (NM_000445.5); c.7247T>C, p.Leu2416Pro (NM_201378.4); c.7223T>C, p.Leu2408Pro (NM_201379.3); c.7700T>C, p.Leu2567Pro (NM_201380.4); c.7193T>C, p.Leu2398Pro (NM_201381.3); c.7289T>C, p.Leu2430Pro (NM_201382.4); c.7301T>C, p.Leu2434Pro (NM_201383.3); c.4126-245T>C (NM_001410941.1); short protein forms L2398P, L2408P, L2416P, L2430P, L2434P, L2457P, L2567P.
Identifiers: ClinVar variation 3777327 (VCV003777327.1).
Genomic context (GRCh38, chr8:143,922,640, plus strand): 5'-TCCCGCAGGCGCTCGGCATCATGGTCACTCTGCTGTCGCTGGATCTCCAGTGTCTGCACC[A>G]GGGTCACCTTCTCCTGGGTGGCGAGCTCCGTGCGGTGCAGCTTCTCACCGATCTCCTCCG-3'
Protein context (NP_958786.1, residues 2420-2440): TELATQEKVT[Leu2430Pro]VQTLEIQRQQ